The following is an entry in ClinVar:

NM_000383.4(AIRE):c.1136G>A (p.Gly379Asp)

Gene: AIRE (autoimmune regulator; plus strand). Cytogenetic location: 21q22.3.
Variant type: single nucleotide variant.
Coding change: c.1136G>A on transcript NM_000383.4 (MANE Select); coding-DNA position 1136, G replaced by A.
Protein change: p.Gly379Asp; replaces glycine 379 with aspartic acid.
Molecular consequence: missense variant.
Genome position (GRCh38, 1-based): chr21:44,293,033, G>A. VCF-style: chr21-44293033-G-A. GRCh37 (hg19) VCF-style: chr21-45712916-G-A.
Other names: c.1136G>A (NM_000383.3); short protein forms G379D.
Identifiers: ClinVar variation 1933931 (VCV001933931.6), dbSNP rs2517884579, ClinGen allele CA410425326.

ClinVar aggregate classification (germline): Uncertain significance. Review status: criteria provided, multiple submitters, no conflicts (2 of 4 stars). 2 submissions from 2 submitters: Uncertain significance (2). Last evaluated 2025-03-12.

Conditions:
Polyglandular autoimmune syndrome, type 1 (APS1). Also called: APS I; HYPOADRENOCORTICISM WITH HYPOPARATHYROIDISM AND SUPERFICIAL MONILIASIS; PGA I; Autoimmune polyendocrinopathy syndrome , type I, with or without reversible metaphyseal dysplasia; Autoimmune polyendocrine syndrome type 1; AUTOIMMUNE POLYENDOCRINE SYNDROME, TYPE I, WITH OR WITHOUT REVERSIBLE METAPHYSEAL DYSPLASIA. Identifiers: Orphanet 3453, MedGen C0085859, MONDO:0009411, OMIM 240300.
AIRE-related disorder. Also called: AIRE-related condition.

Allele frequency attached by ClinVar (database versions not stated): gnomAD exomes below 0.00001.
gnomAD v4.1: 4 of 1,612,502 alleles (0.00025%); highest among the groups gnomAD compares: Non-Finnish European, 0.00034%; no homozygotes.

Submissions (2):

PreventionGenetics, part of Exact Sciences
Classification: Uncertain significance for AIRE-related condition. Last evaluated: 2025-03-12. Review status: criteria provided, single submitter. Criteria: ACMG Guidelines, 2015. Collection method: clinical testing. Allele origin: germline.
Comment: The AIRE c.1136G>A variant is predicted to result in the amino acid substitution p.Gly379Asp. To our knowledge, this variant has not been reported in the literature or in a large population database (gnomAD), indicating this variant is rare. At this time, the clinical significance of this variant is uncertain due to the absence of conclusive functional and genetic evidence.

Labcorp Genetics (formerly Invitae), Labcorp
Classification: Uncertain significance for Polyglandular autoimmune syndrome, type 1. Last evaluated: 2022-04-10. Review status: criteria provided, single submitter. Criteria: Invitae Variant Classification Sherloc (09022015). Collection method: clinical testing. Allele origin: germline.
Comment: In summary, the available evidence is currently insufficient to determine the role of this variant in disease. Therefore, it has been classified as a Variant of Uncertain Significance. Algorithms developed to predict the effect of missense changes on protein structure and function are either unavailable or do not agree on the potential impact of this missense change (SIFT: "Tolerated"; PolyPhen-2: "Probably Damaging"; Align-GVGD: "Class C0"). This variant has not been reported in the literature in individuals affected with AIRE-related conditions. This variant is not present in population databases (gnomAD no frequency). This sequence change replaces glycine, which is neutral and non-polar, with aspartic acid, which is acidic and polar, at codon 379 of the AIRE protein (p.Gly379Asp).